The following is an entry in ClinVar:

NM_001195263.2(PDZD7):c.2047C>T (p.Pro683Ser)

Gene: PDZD7 (PDZ domain containing 7; minus strand). Cytogenetic location: 10q24.31.
Variant type: single nucleotide variant.
Coding change: c.2047C>T on transcript NM_001195263.2 (MANE Select); coding-DNA position 2047, C replaced by T.
Protein change: p.Pro683Ser; replaces proline 683 with serine.
Molecular consequence: missense variant.
Genome position (GRCh38, 1-based): chr10:101,010,842, G>A on the plus strand (C>T on the coding strand, the complement: PDZD7 is on the minus strand). VCF-style: chr10-101010842-G-A. GRCh37 (hg19) VCF-style: chr10-102770599-G-A.
Other names: short protein forms P683S.
Identifiers: ClinVar variation 1441785 (VCV001441785.6), dbSNP rs1048857649, ClinGen allele CA212978967.

ClinVar aggregate classification (germline): Uncertain significance (1 of 4 stars; one submission).

Allele frequency attached by ClinVar (database versions not stated): gnomAD 0.00001; TOPMed 0.00001.

Submission:

Labcorp Genetics (formerly Invitae), Labcorp
Classification: Uncertain significance. Last evaluated: 2021-11-11. Review status: criteria provided, single submitter. Criteria: Invitae Variant Classification Sherloc (09022015). Collection method: clinical testing. Allele origin: germline.
Comment: In summary, the available evidence is currently insufficient to determine the role of this variant in disease. Therefore, it has been classified as a Variant of Uncertain Significance. Algorithms developed to predict the effect of missense changes on protein structure and function output the following: SIFT: "Tolerated"; PolyPhen-2: "Not Available"; Align-GVGD: "Class C0". The serine amino acid residue is found in multiple mammalian species, which suggests that this missense change does not adversely affect protein function. This variant has not been reported in the literature in individuals affected with PDZD7-related conditions. This variant is not present in population databases (gnomAD no frequency). This sequence change replaces proline, which is neutral and non-polar, with serine, which is neutral and polar, at codon 683 of the PDZD7 protein (p.Pro683Ser).